The following is an entry in ClinVar:

NC_000001.10:g.(?_153631178)_(153634329_?)dup

Genes: ILF2 (interleukin enhancer binding factor 2; minus strand), SNAPIN (SNAP associated protein; plus strand). Cytogenetic location: 1q21.3.
Variant type: Duplication.
Identifiers: ClinVar variation 4847420 (VCV004847420.1).

ClinVar aggregate classification (germline): Uncertain significance (1 of 4 stars; one submission).

Submission:

Women's Health and Genetics/Laboratory Corporation of America, LabCorp
Classification: Uncertain significance. Last evaluated: 2026-03-06. Review status: criteria provided, single submitter. Criteria: LabCorp Variant Classification Summary - May 2015. Collection method: clinical testing. Allele origin: germline.
Comment: Variant summary: The variant involves the duplication of exons 1-4 in the SNAPIN gene. A presumed nomenclature of c.(?_-42)_(*552_?)dup has been designated for the purposes of this classification. This duplication includes the entire coding sequence of the gene. As exact breakpoints are unknown, it may extend beyond the annotated region of the gene, to include other flanking genes. A large duplication which covers the entire SNAPIN gene (size ~115.7 kb) was found at a frequency of 0.0001 in 462883 control chromosomes in the gnomAD database (CNVs v4.1 dataset). The available data on variant occurrences in the general population are insufficient to allow any conclusion about variant significance. To our knowledge, no occurrence of c.(?_-42)_(*552_?)dup in individuals affected with SNAPIN-related conditions and no experimental evidence demonstrating its impact on protein function have been reported. No submitters have cited clinical-significance assessments for this variant to ClinVar. Based on the evidence outlined above, the variant was classified as uncertain significance.